The following is an entry in ClinVar:

NM_004333.6(BRAF):c.2195C>T (p.Ser732Phe)

Gene: BRAF (B-Raf proto-oncogene, serine/threonine kinase; minus strand). Cytogenetic location: 7q34.
Variant type: single nucleotide variant.
Coding change: c.2195C>T on transcript NM_004333.6 (MANE Select); coding-DNA position 2195, C replaced by T.
Protein change: p.Ser732Phe; replaces serine 732 with phenylalanine.
Molecular consequence: missense variant. On other transcripts: intron variant (2).
Genome position (GRCh38, 1-based): chr7:140,734,703, G>A on the plus strand (C>T on the coding strand, the complement: BRAF is on the minus strand). VCF-style: chr7-140734703-G-A. GRCh37 (hg19) VCF-style: chr7-140434503-G-A.
Other names: c.2195C>T, p.Ser732Phe (NM_001354609.2); c.2315C>T, p.Ser772Phe (NM_001374244.1, NM_001374258.1); c.2204C>T, p.Ser735Phe (NM_001378467.1); c.2129C>T, p.Ser710Phe (NM_001378469.1); c.2093C>T, p.Ser698Phe (NM_001378470.1); c.2084C>T, p.Ser695Phe (NM_001378471.1); c.2039C>T, p.Ser680Phe (NM_001378472.1, NM_001378473.1); c.1931C>T, p.Ser644Phe (NM_001378475.1); and 1 more; short protein forms S698F, S732F, S680F, S644F, S695F, S710F, S735F, S772F.
Identifiers: ClinVar variation 2901739 (VCV002901739.3), dbSNP rs758134174, ClinGen allele CA4516524.

ClinVar aggregate classification (germline): Uncertain significance (1 of 4 stars; one submission).

Conditions:
RASopathy. Also called: rasopathies; Noonan spectrum disorder. Identifiers: Orphanet 536391, MedGen C5555857, MONDO:0021060.

Allele frequency attached by ClinVar (database versions not stated): ExAC 0.00001; gnomAD exomes 0.00001.
gnomAD v4.1: 5 of 1,610,388 alleles (0.00031%); highest among the groups gnomAD compares: Non-Finnish European, 0.00042%; no homozygotes.

Submission:

Labcorp Genetics (formerly Invitae), Labcorp
Classification: Uncertain significance for RASopathy. Last evaluated: 2023-09-10. Review status: criteria provided, single submitter. Criteria: Invitae Variant Classification Sherloc (09022015). Collection method: clinical testing. Allele origin: germline.
Comment: This variant is present in population databases (rs758134174, gnomAD 0.0009%). In summary, the available evidence is currently insufficient to determine the role of this variant in disease. Therefore, it has been classified as a Variant of Uncertain Significance. Advanced modeling of protein sequence and biophysical properties (such as structural, functional, and spatial information, amino acid conservation, physicochemical variation, residue mobility, and thermodynamic stability) performed at Invitae indicates that this missense variant is not expected to disrupt BRAF protein function. This variant has not been reported in the literature in individuals affected with BRAF-related conditions. This sequence change replaces serine, which is neutral and polar, with phenylalanine, which is neutral and non-polar, at codon 732 of the BRAF protein (p.Ser732Phe).